The following is an entry in ClinVar:

NM_000066.4(C8B):c.113T>G (p.Phe38Cys)

Gene: C8B (complement C8 beta chain; minus strand). Cytogenetic location: 1p32.2.
Variant type: single nucleotide variant.
Coding change: c.113T>G on transcript NM_000066.4 (MANE Select); coding-DNA position 113, T replaced by G.
Protein change: p.Phe38Cys; replaces phenylalanine 38 with cysteine.
Molecular consequence: missense variant. On other transcripts: 5 prime UTR variant (2).
Genome position (GRCh38, 1-based): chr1:56,960,156, A>C on the plus strand (T>G on the coding strand, the complement: C8B is on the minus strand). VCF-style: chr1-56960156-A-C. GRCh37 (hg19) VCF-style: chr1-57425829-A-C.
Other names: c.-44T>G (NM_001278543.2); c.-203T>G (NM_001278544.2); short protein forms F38C.
Identifiers: ClinVar variation 1391320 (VCV001391320.8), dbSNP rs753054383, ClinGen allele CA876094.

ClinVar aggregate classification (germline): Uncertain significance (1 of 4 stars; one submission).

Allele frequency attached by ClinVar (database versions not stated): gnomAD exomes below 0.00001 and 0.00001; ExAC 0.00001.
gnomAD v4.1: 3 of 1,614,188 alleles (0.00019%); highest among the groups gnomAD compares: East Asian, 0.0067%; no homozygotes.

Submission:

Labcorp Genetics (formerly Invitae), Labcorp
Classification: Uncertain significance. Last evaluated: 2023-12-11. Review status: criteria provided, single submitter. Criteria: Invitae Variant Classification Sherloc (09022015). Collection method: clinical testing. Allele origin: germline.
Comment: This sequence change replaces phenylalanine, which is neutral and non-polar, with cysteine, which is neutral and slightly polar, at codon 38 of the C8B protein (p.Phe38Cys). This variant is present in population databases (rs753054383, gnomAD 0.01%). This variant has not been reported in the literature in individuals affected with C8B-related conditions. ClinVar contains an entry for this variant (Variation ID: 1391320). An algorithm developed to predict the effect of missense changes on protein structure and function (PolyPhen-2) suggests that this variant is likely to be disruptive. In summary, the available evidence is currently insufficient to determine the role of this variant in disease. Therefore, it has been classified as a Variant of Uncertain Significance.